The following is an entry in ClinVar:

ClinVar aggregate classification (germline): Uncertain significance. Review status: criteria provided, multiple submitters, no conflicts (2 of 4 stars). 2 submissions from 2 submitters: Uncertain significance (2). Last evaluated 2024-01-23.

Conditions:
Progressive familial heart block type IB (PFHB1B). Identifiers: Orphanet 871, MedGen C1970298, MONDO:0011474, OMIM 604559.
Cardiovascular phenotype. Identifiers: MedGen CN230736.

Allele frequency attached by ClinVar (database versions not stated): gnomAD 0.00001.
gnomAD v4.1: 2 of 1,608,982 alleles (0.00012%); highest among the groups gnomAD compares: South Asian, 0.0022%; no homozygotes.

Submissions (2):

Ambry Genetics
Classification: Uncertain significance for Cardiovascular phenotype. Last evaluated: 2024-01-23. Review status: criteria provided, single submitter. Criteria: Ambry Variant Classification Scheme 2023. Collection method: clinical testing. Allele origin: germline.

Labcorp Genetics (formerly Invitae), Labcorp
Classification: Uncertain significance for Progressive familial heart block type IB. Last evaluated: 2022-12-17. Review status: criteria provided, single submitter. Criteria: Invitae Variant Classification Sherloc (09022015). Collection method: clinical testing. Allele origin: germline.
Comment: This sequence change replaces threonine, which is neutral and polar, with isoleucine, which is neutral and non-polar, at codon 72 of the TRPM4 protein (p.Thr72Ile). This variant is not present in population databases (gnomAD no frequency). This variant has not been reported in the literature in individuals affected with TRPM4-related conditions. Algorithms developed to predict the effect of missense changes on protein structure and function are either unavailable or do not agree on the potential impact of this missense change (SIFT: "Deleterious"; PolyPhen-2: "Benign"; Align-GVGD: "Class C0"). In summary, the available evidence is currently insufficient to determine the role of this variant in disease. Therefore, it has been classified as a Variant of Uncertain Significance.

NM_017636.4(TRPM4):c.215C>T (p.Thr72Ile)

Gene: TRPM4 (transient receptor potential cation channel subfamily M member 4; plus strand). Cytogenetic location: 19q13.33.
Variant type: single nucleotide variant.
Coding change: c.215C>T on transcript NM_017636.4 (MANE Select); coding-DNA position 215, C replaced by T.
Protein change: p.Thr72Ile; replaces threonine 72 with isoleucine.
Molecular consequence: missense variant. On other transcripts: 5 prime UTR variant (1), intron variant (2).
Genome position (GRCh38, 1-based): chr19:49,166,163, C>T. VCF-style: chr19-49166163-C-T. GRCh37 (hg19) VCF-style: chr19-49669420-C-T.
Other names: c.215C>T (NM_017636.3); c.215C>T, p.Thr72Ile (NM_001195227.2, NM_001321281.2); c.-1158C>T (NM_001321282.2); c.-74-2097C>T (NM_001321283.2); c.-237-2390C>T (NM_001321285.2); short protein forms T72I.
Identifiers: ClinVar variation 2819837 (VCV002819837.4), dbSNP rs759027293, ClinGen allele CA406789594.